The following is an entry in ClinVar:

NM_006073.4(TRDN):c.1321+1G>T

Gene: TRDN (triadin; minus strand). Cytogenetic location: 6q22.31.
Variant type: single nucleotide variant.
Coding change: c.1321+1G>T on transcript NM_006073.4 (MANE Select); the canonical splice donor site of the intron after coding-DNA position 1321, G replaced by T.
Molecular consequence: splice donor variant.
Genome position (GRCh38, 1-based): chr6:123,366,134, C>A on the plus strand (G>T on the coding strand, the complement: TRDN is on the minus strand). VCF-style: chr6-123366134-C-A. GRCh37 (hg19) VCF-style: chr6-123687279-C-A.
Other names: c.1264+1G>T (NM_001407315.1); c.1324+1G>T (NM_001251987.2).
Identifiers: ClinVar variation 2074788 (VCV002074788.4), dbSNP rs775407481, ClinGen allele CA3984008.

ClinVar aggregate classification (germline): Uncertain significance (1 of 4 stars; one submission).

Conditions:
Catecholaminergic polymorphic ventricular tachycardia 1. Also called: RYR2-Related Catecholaminergic Polymorphic Ventricular Tachycardia; VENTRICULAR TACHYCARDIA, STRESS-INDUCED POLYMORPHIC 1; VENTRICULAR TACHYCARDIA, CATECHOLAMINERGIC POLYMORPHIC, 1, WITH OR WITHOUT ATRIAL DYSFUNCTION AND/OR DILATED CARDIOMYOPATHY. Identifiers: Orphanet 3286, MedGen C1631597, MONDO:0011484, OMIM 604772.

Allele frequency attached by ClinVar (database versions not stated): TOPMed below 0.00001; ExAC 0.00001.

Submission:

Labcorp Genetics (formerly Invitae), Labcorp
Classification: Uncertain significance for Catecholaminergic polymorphic ventricular tachycardia 1. Last evaluated: 2022-05-17. Review status: criteria provided, single submitter. Criteria: Invitae Variant Classification Sherloc (09022015). Collection method: clinical testing. Allele origin: germline.
Comment: In summary, the available evidence is currently insufficient to determine the role of this variant in disease. Therefore, it has been classified as a Variant of Uncertain Significance. This variant has not been reported in the literature in individuals affected with TRDN-related conditions. Algorithms developed to predict the effect of sequence changes on RNA splicing suggest that this variant may disrupt the consensus splice site. This sequence change affects a donor splice site in intron 20 of the TRDN gene. It is expected to disrupt RNA splicing. Variants that disrupt the donor or acceptor splice site typically lead to a loss of protein function (PMID: 16199547), however the current clinical and genetic evidence is not sufficient to establish whether loss-of-function variants in TRDN cause disease. This variant is present in population databases (rs775407481, gnomAD 0.0009%).

Literature cited by the submitters: PubMed 16199547.